The following is an entry in ClinVar:

NM_001384125.1(BLTP1):c.1029T>C (p.Tyr343=)

Gene: BLTP1 (bridge-like lipid transfer protein family member 1; plus strand). Cytogenetic location: 4q27.
Variant type: single nucleotide variant.
Coding change: c.1029T>C on transcript NM_001384125.1 (MANE Select); coding-DNA position 1029, T replaced by C.
Protein change: p.Tyr343=; no amino-acid change (tyrosine 343 retained).
Molecular consequence: synonymous variant.
Genome position (GRCh38, 1-based): chr4:122,192,356, T>C. VCF-style: chr4-122192356-T-C. GRCh37 (hg19) VCF-style: chr4-123113511-T-C.
Other names: c.1029T>C, p.Tyr343= (NM_015312.4).
Identifiers: ClinVar variation 3036832 (VCV003036832.2), dbSNP rs760380376, ClinGen allele CA3065507.

ClinVar aggregate classification (germline): Likely benign (0 of 4 stars; one submission).

Conditions:
BLTP1-related disorder. Also called: BLTP1-related condition.

Allele frequency attached by ClinVar (database versions not stated): gnomAD exomes 0.00001; ExAC 0.00002; gnomAD 0.00003; TOPMed 0.00003.
gnomAD v4.1: 9 of 1,612,404 alleles (0.00056%); highest among the groups gnomAD compares: Middle Eastern, 0.016%; no homozygotes.

Submission:

PreventionGenetics, part of Exact Sciences
Classification: Likely benign for BLTP1-related condition. Last evaluated: 2021-08-04. Review status: no assertion criteria provided. Collection method: clinical testing. Allele origin: germline.
Comment: This variant is classified as likely benign based on ACMG/AMP sequence variant interpretation guidelines (Richards et al. 2015 PMID: 25741868, with internal and published modifications).